The following is an entry in ClinVar:

ClinVar aggregate classification (germline): Uncertain significance. Review status: criteria provided, multiple submitters, no conflicts (2 of 4 stars). 4 submissions from 4 submitters: Uncertain significance (3). 1 of the submissions does not count toward it. Last evaluated 2025-05-07.

Conditions:
Inborn genetic diseases. Identifiers: MedGen C0950123, MeSH D030342.
Peroxisome biogenesis disorder. Identifiers: Orphanet 79189, MedGen C1832200, MONDO:0019234. Disease mechanism: loss of function.
PEX6-related disorder. Also called: PEX6-related condition; PEX6-related disorders.
Zellweger spectrum disorders (ZS). Also called: Zellweger Spectrum Disorder; Zellweger Spectrum; Zellweger Spectrum Disorder (ZSD); Zellweger syndrome. Identifiers: Orphanet 912, MedGen C0043459, MONDO:0019609.

Allele frequency attached by ClinVar (database versions not stated): gnomAD below 0.00001 and 0.00003; ExAC 0.00002; gnomAD exomes 0.00003 and 0.00004.
gnomAD v4.1: 43 of 1,613,840 alleles (0.0027%); highest among the groups gnomAD compares: South Asian, 0.045%; 2 homozygotes.

Submissions (4):

Ambry Genetics
Classification: Uncertain significance for Inborn genetic diseases. Last evaluated: 2025-05-07. Review status: criteria provided, single submitter. Criteria: Ambry Variant Classification Scheme 2023. Collection method: clinical testing. Allele origin: germline.

PreventionGenetics, part of Exact Sciences
Classification: Uncertain significance for PEX6-related condition. Last evaluated: 2023-07-13. Review status: criteria provided, single submitter. Criteria: ACMG Guidelines, 2015. Collection method: clinical testing. Allele origin: germline.
Comment: The PEX6 c.1255G>C variant is predicted to result in the amino acid substitution p.Val419Leu. To our knowledge, this variant has not been reported in the literature. This variant is reported in 0.033% of alleles in individuals of South Asian descent in gnomAD. At this time, the clinical significance of this variant is uncertain due to the absence of conclusive functional and genetic evidence.

Labcorp Genetics (formerly Invitae), Labcorp
Classification: Uncertain significance for Peroxisome biogenesis disorder. Last evaluated: 2022-09-01. Review status: criteria provided, single submitter. Criteria: Invitae Variant Classification Sherloc (09022015). Collection method: clinical testing. Allele origin: germline.
Comment: This sequence change replaces valine, which is neutral and non-polar, with leucine, which is neutral and non-polar, at codon 419 of the PEX6 protein (p.Val419Leu). This variant is present in population databases (rs773054165, gnomAD 0.03%). This variant has not been reported in the literature in individuals affected with PEX6-related conditions. ClinVar contains an entry for this variant (Variation ID: 844420). Algorithms developed to predict the effect of missense changes on protein structure and function (SIFT, PolyPhen-2, Align-GVGD) all suggest that this variant is likely to be tolerated. In summary, the available evidence is currently insufficient to determine the role of this variant in disease. Therefore, it has been classified as a Variant of Uncertain Significance.

Natera, Inc.
Classification: Uncertain significance for Zellweger syndrome. Last evaluated: 2020-09-16. Review status: no assertion criteria provided. Collection method: clinical testing. Allele origin: germline. Not counted in ClinVar's aggregate classification.

NM_000287.4(PEX6):c.1255G>C (p.Val419Leu)

Gene: PEX6 (peroxisomal biogenesis factor 6; minus strand). Cytogenetic location: 6p21.1.
Variant type: single nucleotide variant.
Coding change: c.1255G>C on transcript NM_000287.4 (MANE Select); coding-DNA position 1255, G replaced by C.
Protein change: p.Val419Leu; replaces valine 419 with leucine.
Molecular consequence: missense variant. On other transcripts: non-coding transcript variant (1).
Genome position (GRCh38, 1-based): chr6:42,969,780, C>G on the plus strand (G>C on the coding strand, the complement: PEX6 is on the minus strand). VCF-style: chr6-42969780-C-G. GRCh37 (hg19) VCF-style: chr6-42937518-C-G.
Other names: c.991G>C, p.Val331Leu (NM_001316313.2); short protein forms V331L, V419L.
Identifiers: ClinVar variation 844420 (VCV000844420.7), dbSNP rs773054165, ClinGen allele CA3811383.
Genomic context (GRCh38, chr6:42,969,780, plus strand): 5'-CCAGGCCTGGAGGAGACAAACTGCTCCAGAGAGTGGATTCCTCTGAAGGGAGCCATGGAA[C>G]AGGGCTCAGGGTAGAACCCACCTGTGAAAGGTAATAAAAAGCTTTCGTTTCTAAAAATCG-3'
Protein context (NP_000278.3, residues 409-429): LYMVGSTLSP[Val419Leu]PWLPSEESTL